The following is an entry in ClinVar:

NM_001005361.3(DNM2):c.*671T>C

Gene: DNM2 (dynamin 2; plus strand). Cytogenetic location: 19p13.2.
Variant type: single nucleotide variant.
Coding change: c.*671T>C on transcript NM_001005361.3 (MANE Select); 671 bases downstream of the stop codon, T replaced by C.
Molecular consequence: 3 prime UTR variant.
Genome position (GRCh38, 1-based): chr19:10,831,718, T>C. VCF-style: chr19-10831718-T-C. GRCh37 (hg19) VCF-style: chr19-10942394-T-C.
Other names: c.*671T>C (NM_001005360.3, NM_001005362.3, NM_001190716.2 and 1 more transcripts).
Identifiers: ClinVar variation 888990 (VCV000888990.4), dbSNP rs190696940, ClinGen allele CA305273329.

ClinVar aggregate classification (germline): Benign. Review status: criteria provided, single submitter (1 of 4 stars). 2 submissions from 1 submitter: Benign (2). Last evaluated 2018-01-12.

Conditions:
Autosomal dominant centronuclear myopathy. Also called: MYOTUBULAR MYOPATHY, AUTOSOMAL DOMINANT; Myopathy, centronuclear, 3. Identifiers: Orphanet 169189, MedGen C4551952, MeSH D020914, MONDO:0008048, OMIM 160150.
Charcot-Marie-Tooth disease dominant intermediate B (CMTDIB). Also called: CHARCOT-MARIE-TOOTH NEUROPATHY, DOMINANT INTERMEDIATE B; Charcot-Marie-Tooth disease dominant intermediate 1; CMT DI1; Charcot-Marie-Tooth disease dominant intermediate I. Identifiers: Orphanet 100044, Orphanet 228179, MedGen C1847902, MONDO:0011674, OMIM 606482.

Allele frequency attached by ClinVar (database versions not stated): gnomAD exomes 0.00020; 1000 Genomes Project 0.00120; 1000 Genomes Project 30x 0.00141; gnomAD 0.00291 and 0.00325; TOPMed 0.00339.
gnomAD v4.1: 610 of 986,536 alleles (0.062%); highest among the groups gnomAD compares: African/African-American, 1%; 3 homozygotes.

Submissions (2):

Illumina Laboratory Services, Illumina
Classification: Benign for Charcot-Marie-Tooth disease dominant intermediate B. Last evaluated: 2018-01-12. Review status: criteria provided, single submitter. Criteria: ICSL Variant Classification Criteria 13 December 2019. Collection method: clinical testing. Allele origin: germline.
Comment: This variant was observed in the ICSL laboratory as part of a predisposition screen in an ostensibly healthy population. It had not been previously curated by ICSL or reported in the Human Gene Mutation Database (HGMD: prior to June 1st, 2018), and was therefore a candidate for classification through an automated scoring system. Utilizing variant allele frequency, disease prevalence and penetrance estimates, and inheritance mode, an automated score was calculated to assess if this variant is too frequent to cause the disease. Based on the score and internal cut-off values, a variant classified as benign is not then subjected to further curation. The score for this variant resulted in a classification of benign for this disease.

Illumina Laboratory Services, Illumina
Classification: Benign for Autosomal dominant centronuclear myopathy. Last evaluated: 2018-01-12. Review status: criteria provided, single submitter. Criteria: ICSL Variant Classification Criteria 13 December 2019. Collection method: clinical testing. Allele origin: germline.
Comment: the same text as in the submission from Illumina Laboratory Services, Illumina above.